The following is an entry in ClinVar:

ClinVar aggregate classification (germline): Uncertain significance (1 of 4 stars; one submission).

Conditions:
Fanconi anemia complementation group J. Also called: BRIP1-Related Fanconi Anemia. Identifiers: Orphanet 84, MedGen C1836860, MONDO:0012187, OMIM 609054.
Familial cancer of breast. Also called: BREAST CANCER, FAMILIAL; Hereditary breast cancer; hereditary breast carcinoma. Identifiers: Orphanet 227535, MedGen C0346153, MONDO:0016419, OMIM 114480. Disease mechanism: loss of function.

Submission:

Labcorp Genetics (formerly Invitae), Labcorp
Classification: Uncertain significance for Familial cancer of breast; Fanconi anemia complementation group J. Last evaluated: 2024-09-26. Review status: criteria provided, single submitter. Criteria: Invitae Variant Classification Sherloc (09022015). Collection method: clinical testing. Allele origin: germline.
Comment: This sequence change replaces serine, which is neutral and polar, with proline, which is neutral and non-polar, at codon 986 of the BRIP1 protein (p.Ser986Pro). This variant is not present in population databases (gnomAD no frequency). This variant has not been reported in the literature in individuals affected with BRIP1-related conditions. An algorithm developed to predict the effect of missense changes on protein structure and function (PolyPhen-2) suggests that this variant is likely to be disruptive. In summary, the available evidence is currently insufficient to determine the role of this variant in disease. Therefore, it has been classified as a Variant of Uncertain Significance.

NM_032043.3(BRIP1):c.2956T>C (p.Ser986Pro)

Gene: BRIP1 (BRCA1 interacting DNA helicase 1; minus strand). Cytogenetic location: 17q23.2.
Variant type: single nucleotide variant.
Coding change: c.2956T>C on transcript NM_032043.3 (MANE Select); coding-DNA position 2956, T replaced by C.
Protein change: p.Ser986Pro; replaces serine 986 with proline.
Molecular consequence: missense variant.
Genome position (GRCh38, 1-based): chr17:61,684,090, A>G on the plus strand (T>C on the coding strand, the complement: BRIP1 is on the minus strand). VCF-style: chr17-61684090-A-G. GRCh37 (hg19) VCF-style: chr17-59761451-A-G.
Other names: short protein forms S986P.
Identifiers: ClinVar variation 3759054 (VCV003759054.2).